The following is an entry in ClinVar:

NM_003072.5(SMARCA4):c.2124-11C>G

Gene: SMARCA4 (SWI/SNF related BAF chromatin remodeling complex subunit ATPase 4; plus strand). Cytogenetic location: 19p13.2.
Variant type: single nucleotide variant.
Coding change: c.2124-11C>G on transcript NM_003072.5 (MANE Select); 11 bases into the intron before coding-DNA position 2124, C replaced by G.
Molecular consequence: intron variant.
Genome position (GRCh38, 1-based): chr19:11,010,370, C>G. VCF-style: chr19-11010370-C-G. GRCh37 (hg19) VCF-style: chr19-11121046-C-G.
Other names: c.2124-11C>G (NM_001128844.3, NM_001128849.3, NM_001128847.4 and 5 more transcripts).
Identifiers: ClinVar variation 1558739 (VCV001558739.9), dbSNP rs1415958916, ClinGen allele CA631756506.

ClinVar aggregate classification (germline): Likely benign. Review status: criteria provided, multiple submitters, no conflicts (2 of 4 stars). 2 submissions from 2 submitters: Likely benign (2). Last evaluated 2025-01-26.

Conditions:
Rhabdoid tumor predisposition syndrome 2 (RTPS2). Identifiers: Orphanet 231108, Orphanet 69077, MedGen C2750074, MONDO:0013224, OMIM 613325.

Allele frequency attached by ClinVar (database versions not stated): TOPMed below 0.00001; gnomAD exomes 0.00001.
gnomAD v4.1: 14 of 1,613,926 alleles (0.00087%); highest among the groups gnomAD compares: Middle Eastern, 0.016%; no homozygotes.

Submissions (2):

Labcorp Genetics (formerly Invitae), Labcorp
Classification: Likely benign for Rhabdoid tumor predisposition syndrome 2. Last evaluated: 2025-01-26. Review status: criteria provided, single submitter. Criteria: Invitae Variant Classification Sherloc (09022015). Collection method: clinical testing. Allele origin: germline.

GeneDx
Classification: Likely benign. Last evaluated: 2022-06-28. Review status: criteria provided, single submitter. Criteria: GeneDx Variant Classification Process June 2021. Collection method: clinical testing. Allele origin: germline. Affected: yes.
Comment: See Variant Classification Assertion Criteria.